The following is an entry in ClinVar:

ClinVar aggregate classification (germline): Conflicting classifications of pathogenicity. Review status: criteria provided, conflicting classifications (1 of 4 stars). 3 submissions from 3 submitters: Uncertain significance (2); Likely benign (1). Last evaluated 2025-09-11.

Conditions:
Arrhythmogenic cardiomyopathy with wooly hair and keratoderma. Also called: Arrhythmogenic cardiomyopathy with woolly hair and keratoderma; PALMOPLANTAR KERATODERMA WITH LEFT VENTRICULAR CARDIOMYOPATHY AND WOOLLY HAIR; Carvajal syndrome; Dilated cardiomyopathy with woolly hair and keratoderma. Identifiers: Orphanet 65282, MedGen C1854063, MONDO:0011581, OMIM 605676.
Arrhythmogenic right ventricular dysplasia 8 (ARVD8). Also called: Arrhythmogenic Right Ventricular Dysplasia/Cardiomyopathy 8; ARRHYTHMOGENIC RIGHT VENTRICULAR DYSPLASIA, FAMILIAL, 8; ARRHYTHMOGENIC RIGHT VENTRICULAR CARDIOMYOPATHY 8. Identifiers: MedGen C1843896, MONDO:0011831, OMIM 607450.
Cardiomyopathy (CMYO). Also called: Cardiomyopathies. Identifiers: Orphanet 167848, MedGen C0878544, MONDO:0004994, HP:0001638. Inheritance: Various modes of inheritance.

Allele frequency attached by ClinVar (database versions not stated): gnomAD 0.00001; gnomAD exomes 0.00001; ExAC 0.00002.
gnomAD v4.1: 4 of 1,614,096 alleles (0.00025%); highest among the groups gnomAD compares: African/African-American, 0.0013%; no homozygotes.

Submissions (3):

Color Diagnostics, LLC DBA Color Health
Classification: Uncertain significance for Cardiomyopathy. Last evaluated: 2025-09-11. Review status: criteria provided, single submitter. Criteria: ACMG Guidelines, 2015. Collection method: clinical testing. Allele origin: germline.
Comment: This missense variant replaces tyrosine with cysteine at codon 2785 of the DSP protein. Computational prediction suggests that this variant may have deleterious impact on protein structure and function. To our knowledge, functional studies have not been reported for this variant. This variant has not been reported in individuals affected with DSP-related disorders in the literature. This variant has been identified in 2/251468 chromosomes in the general population by the Genome Aggregation Database (gnomAD). The available evidence is insufficient to determine the role of this variant in disease conclusively. Therefore, this variant is classified as a Variant of Uncertain Significance.

Labcorp Genetics (formerly Invitae), Labcorp
Classification: Likely benign for Arrhythmogenic cardiomyopathy with wooly hair and keratoderma; Arrhythmogenic right ventricular dysplasia 8. Last evaluated: 2025-08-06. Review status: criteria provided, single submitter. Criteria: Invitae Variant Classification Sherloc (09022015). Collection method: clinical testing. Allele origin: germline.

Mayo Clinic Laboratories, Mayo Clinic
Classification: Uncertain significance. Last evaluated: 2025-05-27. Review status: criteria provided, single submitter. Criteria: ACMG Guidelines, 2015. Collection method: clinical testing. Allele origin: germline. Observed: 1 variant allele.
Comment: PP3_moderate, PM2_supporting

NM_004415.4(DSP):c.8354A>G (p.Tyr2785Cys)

Gene: DSP (desmoplakin; plus strand). Cytogenetic location: 6p24.3.
Variant type: single nucleotide variant.
Coding change: c.8354A>G on transcript NM_004415.4 (MANE Select); coding-DNA position 8354, A replaced by G.
Protein change: p.Tyr2785Cys; replaces tyrosine 2785 with cysteine.
Molecular consequence: missense variant.
Genome position (GRCh38, 1-based): chr6:7,585,616, A>G. VCF-style: chr6-7585616-A-G. GRCh37 (hg19) VCF-style: chr6-7585849-A-G.
Other names: p.Tyr2785Cys; c.6557A>G, p.Tyr2186Cys (NM_001008844.3); c.7025A>G, p.Tyr2342Cys (NM_001319034.2); short protein forms Y2186C, Y2342C, Y2785C.
Identifiers: ClinVar variation 2935108 (VCV002935108.5), dbSNP rs781408330, ClinGen allele CA052095.